The following is an entry in ClinVar:

ClinVar aggregate classification (germline): Uncertain significance (1 of 4 stars; one submission).

Conditions:
Renal cell carcinoma. Identifiers: Orphanet 217071, MedGen C0007134, MeSH D002292, MONDO:0005086, HP:0005584.

Submission:

Labcorp Genetics (formerly Invitae), Labcorp
Classification: Uncertain significance for Renal cell carcinoma. Last evaluated: 2023-03-01. Review status: criteria provided, single submitter. Criteria: Invitae Variant Classification Sherloc (09022015). Collection method: clinical testing. Allele origin: germline.
Comment: This sequence change replaces alanine, which is neutral and non-polar, with serine, which is neutral and polar, at codon 837 of the MET protein (p.Ala837Ser). This variant is not present in population databases (gnomAD no frequency). This variant has not been reported in the literature in individuals affected with MET-related conditions. Advanced modeling of protein sequence and biophysical properties (such as structural, functional, and spatial information, amino acid conservation, physicochemical variation, residue mobility, and thermodynamic stability) has been performed at Invitae for this missense variant, however the output from this modeling did not meet the statistical confidence thresholds required to predict the impact of this variant on MET protein function. In summary, the available evidence is currently insufficient to determine the role of this variant in disease. Therefore, it has been classified as a Variant of Uncertain Significance.

NM_000245.4(MET):c.2455G>T (p.Ala819Ser)

Gene: MET (MET proto-oncogene, receptor tyrosine kinase; plus strand). Cytogenetic location: 7q31.2.
Variant type: single nucleotide variant.
Coding change: c.2455G>T on transcript NM_000245.4 (MANE Select); coding-DNA position 2455, G replaced by T.
Protein change: p.Ala819Ser; replaces alanine 819 with serine.
Molecular consequence: missense variant.
Genome position (GRCh38, 1-based): chr7:116,763,140, G>T. VCF-style: chr7-116763140-G-T. GRCh37 (hg19) VCF-style: chr7-116403194-G-T.
Other names: c.2509G>T, p.Ala837Ser (NM_001127500.3); c.2455G>T, p.Ala819Ser (NM_001324401.3); c.1165G>T, p.Ala389Ser (NM_001324402.2); short protein forms A837S, A389S, A819S.
Identifiers: ClinVar variation 2841670 (VCV002841670.3), dbSNP rs786203672, ClinGen allele CA368983268.